The following is an entry in ClinVar:

NM_007294.4(BRCA1):c.4675+7T>C

Gene: BRCA1 (BRCA1 DNA repair associated; minus strand). Cytogenetic location: 17q21.31.
Variant type: single nucleotide variant.
Coding change: c.4675+7T>C on transcript NM_007294.4 (MANE Select); 7 bases into the intron after coding-DNA position 4675, T replaced by C.
Molecular consequence: intron variant.
Genome position (GRCh38, 1-based): chr17:43,074,324, A>G on the plus strand (T>C on the coding strand, the complement: BRCA1 is on the minus strand). VCF-style: chr17-43074324-A-G. GRCh37 (hg19) VCF-style: chr17-41226341-A-G.
Other names: IVS15+7T>C; c.1222+7T>C (NM_001408458.1, NM_001408461.1, NM_001408464.1 and 7 more transcripts); c.3784+7T>C (NM_001407967.1); c.4294+7T>C (NM_001407959.1); c.4408+7T>C (NM_001407931.1, NM_001407932.1, NM_001407928.1 and 4 more transcripts); c.4531+7T>C (NM_001407747.1, NM_001407745.1, NM_001407737.1 and 21 more transcripts); c.4291+7T>C (NM_001407962.1, NM_001407960.1); c.862+7T>C (NM_001408512.1); and 72 more.
Identifiers: ClinVar variation 37603 (VCV000037603.18), dbSNP rs273900739, ClinGen allele CA002962.

ClinVar aggregate classification (germline): Likely benign. Review status: criteria provided, multiple submitters, no conflicts (2 of 4 stars). 5 submissions from 5 submitters: Likely benign (3). 2 of the submissions do not count toward it. Last evaluated 2025-04-16.

Conditions:
Hereditary breast ovarian cancer syndrome. Also called: Hereditary breast and ovarian cancer syndrome (HBOC); Hereditary breast and ovarian cancer syndrome; Hereditary breast and ovarian cancer; Hereditary breast and/or ovarian cancer syndrome; Breast and ovarian cancer; BRCA1- and BRCA2-Associated Hereditary Breast and Ovarian Cancer. Identifiers: Orphanet 145, MedGen C0677776, MeSH D061325, MONDO:0003582. Disease mechanism: loss of function.
Breast-ovarian cancer, familial, susceptibility to, 1 (BROVCA1). Also called: OVARIAN CANCER, SUSCEPTIBILITY TO; BRCA1 Hereditary Breast and Ovarian Cancer. Identifiers: Orphanet 145, MedGen C2676676, MONDO:0011450, OMIM 604370. Disease mechanism: loss of function.

Allele frequency attached by ClinVar (database versions not stated): gnomAD exomes below 0.00001 and 0.00001; TOPMed 0.00001.
gnomAD v4.1: 3 of 1,613,912 alleles (0.00019%); highest among the groups gnomAD compares: East Asian, 0.0045%; no homozygotes.

Submissions (5):

Women's Health and Genetics/Laboratory Corporation of America, LabCorp
Classification: Likely benign. Last evaluated: 2025-04-16. Review status: criteria provided, single submitter. Criteria: LabCorp Variant Classification Summary - May 2015. Collection method: clinical testing. Allele origin: germline.
Comment: Variant summary: BRCA1 c.4675+7T>C alters a conserved nucleotide located at a position not widely known to affect splicing. Consensus agreement among computation tools predict no significant impact on normal splicing. At least one publication reported functional data on splice impact, showing the variant was not predicted to impact splicing in a minigene assay (Dong_2022). The variant allele was found at a frequency of 8e-06 in 251032 control chromosomes. The available data on variant occurrences in the general population are insufficient to allow any conclusion about variant significance. c.4675+7T>C has been observed in individual affected with breast and/or ovarian cancer without evidence of causality (e.g. Bhaskaran_2019, Lai_2017, Dong_JHG_2022). These reports do not provide unequivocal conclusions about association of the variant with Hereditary Breast And Ovarian Cancer Syndrome. To our knowledge, no experimental evidence demonstrating an impact on protein function has been reported. The following publications have been ascertained in the context of this evaluation (PMID: 30702160, 36446827, 28222693). ClinVar contains an entry for this variant (Variation ID: 37603). Based on the evidence outlined above, the variant was classified as likely benign.

Labcorp Genetics (formerly Invitae), Labcorp
Classification: Likely benign for Hereditary breast ovarian cancer syndrome. Last evaluated: 2025-02-23. Review status: criteria provided, single submitter. Criteria: Invitae Variant Classification Sherloc (09022015). Collection method: clinical testing. Allele origin: germline.

Quest Diagnostics Nichols Institute San Juan Capistrano
Classification: Likely benign. Last evaluated: 2023-09-18. Review status: criteria provided, single submitter. Criteria: Quest Diagnostics criteria. Collection method: clinical testing. Allele origin: unknown.

Sharing Clinical Reports Project (SCRP)
Classification: Likely benign for Breast-ovarian cancer, familial 1. Last evaluated: 2011-05-06. Review status: no assertion criteria provided. Collection method: clinical testing. Allele origin: germline. Not counted in ClinVar's aggregate classification.

Breast Cancer Information Core (BIC) (BRCA1)
Classification: Uncertain significance for Breast-ovarian cancer, familial 1. Last evaluated: 2010-09-18. Review status: no assertion criteria provided. Collection method: clinical testing. Allele origin: germline. Affected: yes. Observed: 1 variant allele. Not counted in ClinVar's aggregate classification.

Literature cited by the submitters: PubMed 30702160 (cited by Women's Health and Genetics/Laboratory Corporation of America, LabCorp and Quest Diagnostics Nichols Institute San Juan Capistrano); PubMed 28222693 (cited by Women's Health and Genetics/Laboratory Corporation of America, LabCorp); PubMed 36446827 (cited by Women's Health and Genetics/Laboratory Corporation of America, LabCorp and Quest Diagnostics Nichols Institute San Juan Capistrano); PubMed 32566972 (cited by Quest Diagnostics Nichols Institute San Juan Capistrano); PubMed 31825140 (cited by Quest Diagnostics Nichols Institute San Juan Capistrano); PubMed 32467295 (cited by Quest Diagnostics Nichols Institute San Juan Capistrano); PubMed 28692638 (cited by Quest Diagnostics Nichols Institute San Juan Capistrano).